The following is an entry in ClinVar:

NM_001127198.5(TMC6):c.17C>G (p.Ala6Gly)

Gene: TMC6 (transmembrane channel like 6; minus strand). Cytogenetic location: 17q25.3.
Variant type: single nucleotide variant.
Coding change: c.17C>G on transcript NM_001127198.5 (MANE Select); coding-DNA position 17, C replaced by G.
Protein change: p.Ala6Gly; replaces alanine 6 with glycine.
Molecular consequence: missense variant.
Genome position (GRCh38, 1-based): chr17:78,126,816, G>C on the plus strand (C>G on the coding strand, the complement: TMC6 is on the minus strand). VCF-style: chr17-78126816-G-C. GRCh37 (hg19) VCF-style: chr17-76122897-G-C.
Other names: c.17C>G, p.Ala6Gly (NM_001321185.1, NM_001374593.1, NM_001374594.1 and 4 more transcripts); short protein forms A6G.
Identifiers: ClinVar variation 1027247 (VCV001027247.7), dbSNP rs1364411602, ClinGen allele CA401237242.

ClinVar aggregate classification (germline): Uncertain significance (1 of 4 stars; one submission).

Conditions:
Epidermodysplasia verruciformis. Identifiers: Orphanet 302, MedGen C0014522, MONDO:0009176.

Allele frequency attached by ClinVar (database versions not stated): gnomAD exomes below 0.00001.

Submission:

Labcorp Genetics (formerly Invitae), Labcorp
Classification: Uncertain significance for Epidermodysplasia verruciformis. Last evaluated: 2020-09-30. Review status: criteria provided, single submitter. Criteria: Invitae Variant Classification Sherloc (09022015). Collection method: clinical testing. Allele origin: germline.
Comment: In summary, the available evidence is currently insufficient to determine the role of this variant in disease. Therefore, it has been classified as a Variant of Uncertain Significance. Algorithms developed to predict the effect of missense changes on protein structure and function are either unavailable or do not agree on the potential impact of this missense change (SIFT: "Not Available"; PolyPhen-2: "Benign"; Align-GVGD: "Not Available"). This variant has not been reported in the literature in individuals with TMC6-related conditions. This variant is not present in population databases (ExAC no frequency). This sequence change replaces alanine with glycine at codon 6 of the TMC6 protein (p.Ala6Gly). The alanine residue is weakly conserved and there is a small physicochemical difference between alanine and glycine.